The following is an entry in ClinVar:

ClinVar aggregate classification (germline): Uncertain significance (1 of 4 stars; one submission).

Conditions:
Arrhythmogenic right ventricular dysplasia 8 (ARVD8). Also called: Arrhythmogenic Right Ventricular Dysplasia/Cardiomyopathy 8; ARRHYTHMOGENIC RIGHT VENTRICULAR DYSPLASIA, FAMILIAL, 8; ARRHYTHMOGENIC RIGHT VENTRICULAR CARDIOMYOPATHY 8. Identifiers: MedGen C1843896, MONDO:0011831, OMIM 607450.
Arrhythmogenic cardiomyopathy with wooly hair and keratoderma. Also called: Arrhythmogenic cardiomyopathy with woolly hair and keratoderma; Carvajal syndrome; Dilated cardiomyopathy with woolly hair and keratoderma; PALMOPLANTAR KERATODERMA WITH LEFT VENTRICULAR CARDIOMYOPATHY AND WOOLLY HAIR. Identifiers: Orphanet 65282, MedGen C1854063, MONDO:0011581, OMIM 605676.

Submission:

Labcorp Genetics (formerly Invitae), Labcorp
Classification: Uncertain significance for Arrhythmogenic cardiomyopathy with wooly hair and keratoderma; Arrhythmogenic right ventricular dysplasia 8. Last evaluated: 2023-11-17. Review status: criteria provided, single submitter. Criteria: Invitae Variant Classification Sherloc (09022015). Collection method: clinical testing. Allele origin: germline.
Comment: This sequence change replaces tyrosine, which is neutral and polar, with phenylalanine, which is neutral and non-polar, at codon 95 of the DSP protein (p.Tyr95Phe). This variant is not present in population databases (gnomAD no frequency). This variant has not been reported in the literature in individuals affected with DSP-related conditions. ClinVar contains an entry for this variant (Variation ID: 1942473). Algorithms developed to predict the effect of missense changes on protein structure and function output the following: SIFT: "Not Available"; PolyPhen-2: "Benign"; Align-GVGD: "Not Available". The phenylalanine amino acid residue is found in multiple mammalian species, which suggests that this missense change does not adversely affect protein function. In summary, the available evidence is currently insufficient to determine the role of this variant in disease. Therefore, it has been classified as a Variant of Uncertain Significance.

NM_004415.4(DSP):c.284A>T (p.Tyr95Phe)

Gene: DSP (desmoplakin; plus strand). Cytogenetic location: 6p24.3.
Variant type: single nucleotide variant.
Coding change: c.284A>T on transcript NM_004415.4 (MANE Select); coding-DNA position 284, A replaced by T.
Protein change: p.Tyr95Phe; replaces tyrosine 95 with phenylalanine.
Molecular consequence: missense variant.
Genome position (GRCh38, 1-based): chr6:7,558,126, A>T. VCF-style: chr6-7558126-A-T. GRCh37 (hg19) VCF-style: chr6-7558359-A-T.
Other names: c.284A>T, p.Tyr95Phe (NM_001008844.3, NM_001319034.2, NM_001406591.1); short protein forms Y95F.
Identifiers: ClinVar variation 1942473 (VCV001942473.5), dbSNP rs781226937, ClinGen allele CA362671122.